The following is an entry in ClinVar:

ClinVar aggregate classification (germline): Benign. Review status: criteria provided, multiple submitters, no conflicts (2 of 4 stars). 5 submissions from 5 submitters: Benign (5). Last evaluated 2026-01-28.

Allele frequency attached by ClinVar (database versions not stated): gnomAD exomes 0.00064 and 0.00175; ExAC 0.00220; 1000 Genomes Project 0.00559; 1000 Genomes Project 30x 0.00593; ESP Exome Variant Server 0.00669; gnomAD 0.00684 and 0.00746; TOPMed 0.00776.
gnomAD v4.1: 1,988 of 1,540,926 alleles (0.13%); highest among the groups gnomAD compares: African/African-American, 2.3%; 20 homozygotes.

Submissions (5):

Labcorp Genetics (formerly Invitae), Labcorp
Classification: Benign. Last evaluated: 2026-01-28. Review status: criteria provided, single submitter. Criteria: Invitae Variant Classification Sherloc (09022015). Collection method: clinical testing. Allele origin: germline.

Mayo Clinic Laboratories, Mayo Clinic
Classification: Benign. Last evaluated: 2021-09-14. Review status: criteria provided, single submitter. Criteria: ACMG Guidelines, 2015. Collection method: clinical testing. Allele origin: germline. Observed: 7 variant alleles.
Comment: BA1, BP4

GeneDx
Classification: Benign. Last evaluated: 2017-06-30. Review status: criteria provided, single submitter. Criteria: GeneDx Variant Classification (06012015). Collection method: clinical testing. Allele origin: germline. Affected: yes.
Comment: This variant is considered likely benign or benign based on one or more of the following criteria: it is a conservative change, it occurs at a poorly conserved position in the protein, it is predicted to be benign by multiple in silico algorithms, and/or has population frequency not consistent with disease.

Eurofins Ntd Llc (ga)
Classification: Benign. Last evaluated: 2015-10-12. Review status: criteria provided, single submitter. Criteria: EGL Classification Definitions 2015. Collection method: clinical testing. Allele origin: germline. Observed: 1 variant allele, 1 heterozygote.

Breakthrough Genomics
Classification: Benign. Review status: criteria provided, single submitter. Criteria: ACMG Guidelines, 2015. Collection method: not provided. Allele origin: germline. Inheritance: Autosomal recessive inheritance. Affected: yes.

NM_000443.4(ABCB4):c.81-16A>G

Gene: ABCB4 (ATP binding cassette subfamily B member 4; minus strand). Cytogenetic location: 7q21.12.
Variant type: single nucleotide variant.
Coding change: c.81-16A>G on transcript NM_000443.4 (MANE Select); 16 bases into the intron before coding-DNA position 81, A replaced by G.
Molecular consequence: intron variant.
Genome position (GRCh38, 1-based): chr7:87,472,691, T>C on the plus strand (A>G on the coding strand, the complement: ABCB4 is on the minus strand). VCF-style: chr7-87472691-T-C. GRCh37 (hg19) VCF-style: chr7-87102007-T-C.
Other names: p.?; c.81-16A>G (NM_018850.3, NM_018849.3).
Identifiers: ClinVar variation 284069 (VCV000284069.11), dbSNP rs45552835, ClinGen allele CA4327633.